The following is an entry in ClinVar:

ClinVar aggregate classification (germline): Uncertain significance (1 of 4 stars; one submission).

Conditions:
Nemaline myopathy 9 (NEM9). Identifiers: MedGen C3810384, MONDO:0014326, OMIM 615731.

Allele frequency attached by ClinVar (database versions not stated): gnomAD exomes below 0.00001; TOPMed below 0.00001.

Submission:

Labcorp Genetics (formerly Invitae), Labcorp
Classification: Uncertain significance for Nemaline myopathy 9. Last evaluated: 2022-11-08. Review status: criteria provided, single submitter. Criteria: Invitae Variant Classification Sherloc (09022015). Collection method: clinical testing. Allele origin: germline.
Comment: In summary, the available evidence is currently insufficient to determine the role of this variant in disease. Therefore, it has been classified as a Variant of Uncertain Significance. Advanced modeling of protein sequence and biophysical properties (such as structural, functional, and spatial information, amino acid conservation, physicochemical variation, residue mobility, and thermodynamic stability) performed at Invitae indicates that this missense variant is not expected to disrupt KLHL41 protein function. ClinVar contains an entry for this variant (Variation ID: 1408193). This variant has not been reported in the literature in individuals affected with KLHL41-related conditions. This variant is not present in population databases (gnomAD no frequency). This sequence change replaces aspartic acid, which is acidic and polar, with histidine, which is basic and polar, at codon 67 of the KLHL41 protein (p.Asp67His).

NM_006063.3(KLHL41):c.199G>C (p.Asp67His)

Gene: KLHL41 (kelch like family member 41; plus strand). Cytogenetic location: 2q31.1.
Variant type: single nucleotide variant.
Coding change: c.199G>C on transcript NM_006063.3 (MANE Select); coding-DNA position 199, G replaced by C.
Protein change: p.Asp67His; replaces aspartic acid 67 with histidine.
Molecular consequence: missense variant.
Genome position (GRCh38, 1-based): chr2:169,509,977, G>C. VCF-style: chr2-169509977-G-C. GRCh37 (hg19) VCF-style: chr2-170366487-G-C.
Other names: short protein forms D67H.
Identifiers: ClinVar variation 1408193 (VCV001408193.6), dbSNP rs1446324489, ClinGen allele CA349173492.